The following is an entry in ClinVar:

NC_012920.1(MT-ATP6):m.9026G>A

Gene: MT-ATP6 (mitochondrially encoded ATP synthase 6; plus strand).
Variant type: single nucleotide variant.
Genome position: chrM-9026-G-A.
Identifiers: ClinVar variation 693058 (VCV000693058.2), dbSNP rs1603221987, ClinGen allele CA414801916.

ClinVar aggregate classification (germline): Uncertain significance. Review status: reviewed by expert panel (3 of 4 stars). 2 submissions from 2 submitters: Uncertain significance (1). 1 of the submissions does not count toward it. Last evaluated 2021-03-22.

Conditions:
Leigh syndrome (NULS). Also called: Leigh's syndrome; Leigh Disease; Subacute necrotizing encephalopathy; Necrotizing encephalopathy infantile subacute of Leigh; LEIGH SYNDROME, NUCLEAR; Leigh's necrotizing encephalopathy. Identifiers: Orphanet 506, MedGen C2931891, MONDO:0009723, OMIM 256000.
Mitochondrial disease. Also called: Mitochondrial disorder; Mitochondrial disorders. Identifiers: Orphanet 68380, MedGen C0751651, MeSH D028361, MONDO:0044970.

Submissions (2):

ClinGen Mitochondrial Disease Nuclear and Mitochondrial  Variant Curation Expert Panel, ClinGen
Classification: Uncertain significance for Mitochondrial disease. Last evaluated: 2021-03-22. Review status: reviewed by expert panel. Criteria: McCormick et al. (Hum Mutat. 2020). Collection method: curation. Allele origin: germline. Inheritance: Mitochondrial inheritance.
Comment: The m.9026G>A (p.G167D) variant in MT-ATP6 has been reported in one family to date and features in this family included exercise intolerance, vomiting, and a maternal family history of similar spectrum concerns (PMID: 30763462). Oxidative phosphorylation testing in fibroblasts from the proband were consistent with CV deficiency and all other potential etiologies were reasonably excluded (PP4). Per our literature review and a recently published review, there are no reported de novo occurrences of this variant (PMID: 30763462). This variant segregated with disease in the single reported family as the probandâ€™s healthy brother had undetectable levels of variant in blood and his less severely affected mother (fatigue, migraines, neuropathy) had lower heteroplasmy (4% blood, 8% urine) than the proband (PP1, PMID: 30763462). In silico tools predict this variant to be pathogenic (PP3). There are no cybrid or single fiber studies reported on this variant. In summary, this variant meets criteria to be classified as uncertain significance for primary mitochondrial disease inherited in a maternal manner. This classification was approved by the NICHD U24 Mitochondrial Disease Variant Curation Expert Panel on March 22, 2021. Mitochondrial DNA-specific ACMG/AMP criteria applied: PP4, PP1, PP3).

Wong Mito Lab, Molecular and Human Genetics, Baylor College of Medicine
Classification: Uncertain significance for Leigh syndrome. Last evaluated: 2019-10-17. Review status: criteria provided, single submitter. Criteria: Modified ACMG Guidelines (Unpublished). Collection method: clinical testing. Allele origin: germline. Not counted in ClinVar's aggregate classification.
Comment: The NC_012920.1:m.9026G>A (YP_003024031.1:p.Gly167Asp) variant in MTATP6 gene is interpretated to be a Uncertain Significance variant based on the modified ACMG guidelines (unpublished). This variant meets the following evidence codes: PM9, PP3, PP6